The following is an entry in ClinVar:

ClinVar aggregate classification (germline): Conflicting classifications of pathogenicity. Review status: criteria provided, conflicting classifications (1 of 4 stars). 3 submissions from 2 submitters: Uncertain significance (2); Likely benign (1). Last evaluated 2024-02-19.

Conditions:
Isolated microphthalmia 2. Identifiers: Orphanet 2542, MedGen C1864720, MONDO:0012409, OMIM 610093.
Microphthalmia, isolated, with coloboma 3 (MCOPCB3). Also called: MICROPHTHALMIA/COLOBOMA 3; MICROPHTHALMIA, COLOBOMATOUS, 3. Identifiers: Orphanet 98938, MedGen C1864721, MONDO:0012408, OMIM 610092.

Allele frequency attached by ClinVar (database versions not stated): gnomAD 0.00001; TOPMed 0.00001; ExAC 0.00004.
gnomAD v4.1: 30 of 1,535,852 alleles (0.002%); highest among the groups gnomAD compares: East Asian, 0.031%; no homozygotes.

Submissions (3):

Labcorp Genetics (formerly Invitae), Labcorp
Classification: Likely benign for Isolated microphthalmia 2. Last evaluated: 2024-02-19. Review status: criteria provided, single submitter. Criteria: Invitae Variant Classification Sherloc (09022015). Collection method: clinical testing. Allele origin: germline.

Illumina Laboratory Services, Illumina
Classification: Uncertain significance for Microphthalmia, isolated, with coloboma 3. Last evaluated: 2017-04-27. Review status: criteria provided, single submitter. Criteria: ICSL Variant Classification Criteria 13 December 2019. Collection method: clinical testing. Allele origin: germline.
Comment: This variant was observed as part of a predisposition screen in an ostensibly healthy population. A literature search was performed for the gene, cDNA change, and amino acid change (where applicable). Publications were found based on this search. However, the evidence from the literature, in combination with allele frequency data from public databases where available, was not sufficient to rule this variant in or out of causing disease. Therefore, this variant is classified as a variant of unknown significance.

Illumina Laboratory Services, Illumina
Classification: Uncertain significance for Isolated microphthalmia 2. Last evaluated: 2017-04-27. Review status: criteria provided, single submitter. Criteria: ICSL Variant Classification Criteria 13 December 2019. Collection method: clinical testing. Allele origin: germline.
Comment: the same text as in the submission from Illumina Laboratory Services, Illumina above.

Literature cited by the submitters: PubMed 21976963 (cited by Illumina Laboratory Services, Illumina).

NM_182894.3(VSX2):c.760+11G>A

Gene: VSX2 (visual system homeobox 2; plus strand). Cytogenetic location: 14q24.3.
Variant type: single nucleotide variant.
Coding change: c.760+11G>A on transcript NM_182894.3 (MANE Select); 11 bases into the intron after coding-DNA position 760, G replaced by A.
Molecular consequence: intron variant.
Genome position (GRCh38, 1-based): chr14:74,259,793, G>A. VCF-style: chr14-74259793-G-A. GRCh37 (hg19) VCF-style: chr14-74726496-G-A.
Identifiers: ClinVar variation 886059 (VCV000886059.7), dbSNP rs777886580, ClinGen allele CA7266431.